The following is an entry in ClinVar:

ClinVar aggregate classification (germline): Likely benign. Review status: criteria provided, multiple submitters, no conflicts (2 of 4 stars). 3 submissions from 3 submitters: Likely benign (3). Last evaluated 2025-09-23.

Conditions:
Inborn genetic diseases. Identifiers: MedGen C0950123, MeSH D030342.

Allele frequency attached by ClinVar (database versions not stated): gnomAD exomes below 0.00001; ExAC 0.00001; gnomAD 0.00001.
gnomAD v4.1: 9 of 1,613,624 alleles (0.00056%); highest among the groups gnomAD compares: Admixed American, 0.0017%; no homozygotes.

Submissions (3):

Labcorp Genetics (formerly Invitae), Labcorp
Classification: Likely benign. Last evaluated: 2025-09-23. Review status: criteria provided, single submitter. Criteria: Invitae Variant Classification Sherloc (09022015). Collection method: clinical testing. Allele origin: germline.

Ambry Genetics
Classification: Likely benign for Inborn genetic diseases. Last evaluated: 2025-09-22. Review status: criteria provided, single submitter. Criteria: Ambry Variant Classification Scheme 2023. Collection method: clinical testing. Allele origin: germline.

GeneDx
Classification: Likely benign. Last evaluated: 2018-10-12. Review status: criteria provided, single submitter. Criteria: GeneDx Variant Classification Process June 2021. Collection method: clinical testing. Allele origin: germline. Affected: yes.
Comment: See Variant Classification Assertion Criteria.

NM_006907.4(PYCR1):c.252C>T (p.Ala84=)

Gene: PYCR1 (pyrroline-5-carboxylate reductase 1; minus strand). Cytogenetic location: 17q25.3.
Variant type: single nucleotide variant.
Coding change: c.252C>T on transcript NM_006907.4 (MANE Select); coding-DNA position 252, C replaced by T.
Protein change: p.Ala84=; no amino-acid change (alanine 84 retained).
Molecular consequence: synonymous variant.
Genome position (GRCh38, 1-based): chr17:81,935,403, G>A on the plus strand (C>T on the coding strand, the complement: PYCR1 is on the minus strand). VCF-style: chr17-81935403-G-A. GRCh37 (hg19) VCF-style: chr17-79893279-G-A.
Other names: c.252C>T (NM_006907.2); c.252C>T, p.Ala84= (NM_001282279.2, NM_001282280.2, NM_001330523.2 and 1 more transcripts); c.333C>T, p.Ala111= (NM_001282281.2).
Identifiers: ClinVar variation 2157170 (VCV002157170.6), dbSNP rs756495271, ClinGen allele CA8845516.
Genomic context (GRCh38, chr17:81,935,403, plus strand): 5'-AATGGAGCTGATGGTGACGCCGGCCGCGCAGGACACCACAATGTGTCTGTCCTCAATGTC[G>A]GCGCCTATTTCATCCAGGATGAAGGGGATGATGTGTGGCTTCACAGCCAGGAAGAGCACA-3'
Protein context (NP_008838.2, residues 74-94): IIPFILDEIG[Ala84=]DIEDRHIVVS